The following is an entry in ClinVar:

ClinVar aggregate classification (germline): Uncertain significance (1 of 4 stars; one submission).

Conditions:
Inborn genetic diseases. Identifiers: MedGen C0950123, MeSH D030342.

gnomAD v4.1: 1 of 1,614,174 alleles (0.000062%); highest among the groups gnomAD compares: Non-Finnish European, 0.000085%; no homozygotes.

Submission:

Ambry Genetics
Classification: Uncertain significance for Inborn genetic diseases. Last evaluated: 2025-10-08. Review status: criteria provided, single submitter. Criteria: Ambry Variant Classification Scheme 2023. Collection method: clinical testing. Allele origin: germline.
Comment: The p.L1150V variant (also known as c.3448C>G), located in coding exon 35 of the FANCA gene, results from a C to G substitution at nucleotide position 3448. The leucine at codon 1150 is replaced by valine, an amino acid with highly similar properties. This amino acid position is conserved. In addition, this alteration is predicted to be tolerated by in silico analysis. Based on the available evidence, the clinical significance of this variant remains unclear.

NM_000135.4(FANCA):c.3448C>G (p.Leu1150Val)

Gene: FANCA (FA complementation group A; minus strand). Cytogenetic location: 16q24.3.
Variant type: single nucleotide variant.
Coding change: c.3448C>G on transcript NM_000135.4 (MANE Select); coding-DNA position 3448, C replaced by G.
Protein change: p.Leu1150Val; replaces leucine 1150 with valine.
Molecular consequence: missense variant.
Genome position (GRCh38, 1-based): chr16:89,746,649, G>C on the plus strand (C>G on the coding strand, the complement: FANCA is on the minus strand). VCF-style: chr16-89746649-G-C. GRCh37 (hg19) VCF-style: chr16-89813057-G-C.
Other names: c.3448C>G, p.Leu1150Val (NM_001286167.3); short protein forms L1150V.
Identifiers: ClinVar variation 4619192 (VCV004619192.1).